The following is an entry in ClinVar:

NM_000057.4(BLM):c.1222A>G (p.Arg408Gly)

Gene: BLM (BLM RecQ like helicase; plus strand). Cytogenetic location: 15q26.1.
Variant type: single nucleotide variant.
Coding change: c.1222A>G on transcript NM_000057.4 (MANE Select); coding-DNA position 1222, A replaced by G.
Protein change: p.Arg408Gly; replaces arginine 408 with glycine.
Molecular consequence: missense variant.
Genome position (GRCh38, 1-based): chr15:90,760,595, A>G. VCF-style: chr15-90760595-A-G. GRCh37 (hg19) VCF-style: chr15-91303825-A-G.
Other names: c.1222A>G, p.Arg408Gly (NM_001287246.2, NM_001287247.2); c.97A>G, p.Arg33Gly (NM_001287248.2); short protein forms R33G, R408G.
Identifiers: ClinVar variation 1753380 (VCV001753380.2), dbSNP rs2505423840, ClinGen allele CA393842590.

ClinVar aggregate classification (germline): Uncertain significance (1 of 4 stars; one submission).

Conditions:
Hereditary cancer-predisposing syndrome. Also called: Neoplastic Syndromes, Hereditary; Tumor predisposition; Hereditary Cancer Syndrome; Hereditary neoplastic syndrome. Identifiers: Orphanet 140162, MedGen C0027672, MeSH D009386, MONDO:0015356.

Submission:

Ambry Genetics
Classification: Uncertain significance for Hereditary cancer-predisposing syndrome. Last evaluated: 2022-08-01. Review status: criteria provided, single submitter. Criteria: Ambry Variant Classification Scheme 2023. Collection method: clinical testing. Allele origin: germline.
Comment: The p.R408G variant (also known as c.1222A>G), located in coding exon 6 of the BLM gene, results from an A to G substitution at nucleotide position 1222. The arginine at codon 408 is replaced by glycine, an amino acid with dissimilar properties. This amino acid position is conserved. In addition, this alteration is predicted to be tolerated by in silico analysis. Since supporting evidence is limited at this time, the clinical significance of this alteration remains unclear.